The following is an entry in ClinVar:

ClinVar aggregate classification (germline): Uncertain significance (1 of 4 stars; one submission).

Conditions:
Hereditary cancer-predisposing syndrome. Also called: Tumor predisposition; Hereditary Cancer Syndrome; Hereditary neoplastic syndrome; Neoplastic Syndromes, Hereditary. Identifiers: Orphanet 140162, MedGen C0027672, MeSH D009386, MONDO:0015356.

Submission:

Ambry Genetics
Classification: Uncertain significance for Hereditary cancer-predisposing syndrome. Last evaluated: 2025-11-21. Review status: criteria provided, single submitter. Criteria: Ambry Variant Classification Scheme 2023. Collection method: clinical testing. Allele origin: germline.
Comment: The c.3160_3177del18 variant (also known as p.S1054_N1059del) is located in coding exon 19 of the RET gene. This variant results from an in-frame TCCACATGGATTGAAAAC deletion at nucleotide positions 3160 to 3177. This results in the in-frame deletion of six amino acids at codons 1054 to 1059. This amino acid region is highly conserved in available vertebrate species. In addition, this variant is predicted to be deleterious by in silico analysis (Choi Y et al. PLoS ONE. 2012; 7(10):e46688). Based on the available evidence, the clinical significance of this variant remains unclear.

NM_020975.6(RET):c.3160_3177del (p.Ser1054_Asn1059del)

Gene: RET (ret proto-oncogene; plus strand). Cytogenetic location: 10q11.21.
Variant type: Deletion.
Coding change: c.3160_3177del on transcript NM_020975.6 (MANE Select); coding-DNA positions 3160 to 3177, 18 bases deleted (TCCACATGGATTGAAAAC).
Protein change: p.Ser1054_Asn1059del.
Molecular consequence: inframe deletion. On other transcripts: intron variant (4).
Genome position (GRCh38, 1-based): chr10:43,126,695-43,126,712, TCCACATGGATTGAAAAC deleted. VCF-style (leftmost placement, unchanged base first): chr10-43126694-TTCCACATGGATTGAAAAC-T. GRCh37 (hg19) VCF-style: chr10-43622142-TTCCACATGGATTGAAAAC-T.
Other names: c.2398_2415del, p.Ser800_Asn805del (NM_001355216.2); c.3160_3177del, p.Ser1054_Asn1059del (NM_001406743.1, NM_001406744.1, NM_020630.7); c.3031_3048del, p.Ser1011_Asn1016del (NM_001406761.1, NM_001406762.1, NM_001406764.1); c.3025_3042del, p.Ser1009_Asn1014del (NM_001406763.1, NM_001406765.1); c.2872_2889del, p.Ser958_Asn963del (NM_001406766.1, NM_001406767.1, NM_001406770.1); c.2896_2913del, p.Ser966_Asn971del (NM_001406768.1); c.2764_2781del, p.Ser922_Asn927del (NM_001406769.1, NM_001406772.1); c.2722_2739del, p.Ser908_Asn913del (NM_001406771.1, NM_001406773.1); and 13 more.
Identifiers: ClinVar variation 4545708 (VCV004545708.1).